The following is an entry in ClinVar:

ClinVar aggregate classification (germline): Uncertain significance. Review status: criteria provided, multiple submitters, no conflicts (2 of 4 stars). 3 submissions from 3 submitters: Uncertain significance (3). Last evaluated 2026-02-27.

Conditions:
KIF14-related disorder. Also called: KIF14-related condition.
Inborn genetic diseases. Identifiers: MedGen C0950123, MeSH D030342.

Allele frequency attached by ClinVar (database versions not stated): gnomAD exomes 0.00002; ExAC 0.00008; gnomAD 0.00008; TOPMed 0.00010; 1000 Genomes Project 30x 0.00016; 1000 Genomes Project 0.00020.
gnomAD v4.1: 81 of 1,613,664 alleles (0.005%); highest among the groups gnomAD compares: East Asian, 0.06%; no homozygotes.

Submissions (3):

PreventionGenetics, part of Exact Sciences
Classification: Uncertain significance for KIF14-related condition. Last evaluated: 2026-02-27. Review status: criteria provided, single submitter. Criteria: ACMG Guidelines, 2015. Collection method: clinical testing. Allele origin: germline.
Comment: The KIF14 c.1672A>G variant is predicted to result in the amino acid substitution p.Thr558Ala. This variant has been reported in an individual in a large cohort study on prenatal diagnosis of fetal structural anomalies by exome sequencing (Table S8. Fu et al. 2022. PubMed ID: 36307859). This variant is reported in 0.095% of alleles in individuals of East Asian descent in gnomAD. At this time, the clinical significance of this variant is uncertain due to the absence of conclusive functional and genetic evidence.

Labcorp Genetics (formerly Invitae), Labcorp
Classification: Uncertain significance. Last evaluated: 2024-12-12. Review status: criteria provided, single submitter. Criteria: Invitae Variant Classification Sherloc (09022015). Collection method: clinical testing. Allele origin: germline.
Comment: This sequence change replaces threonine, which is neutral and polar, with alanine, which is neutral and non-polar, at codon 558 of the KIF14 protein (p.Thr558Ala). This variant is present in population databases (rs368478161, gnomAD 0.09%). This missense change has been observed in individual(s) with KIF14-related conditions (PMID: 36307859). ClinVar contains an entry for this variant (Variation ID: 2289482). An algorithm developed to predict the effect of missense changes on protein structure and function (PolyPhen-2) suggests that this variant is likely to be disruptive. In summary, the available evidence is currently insufficient to determine the role of this variant in disease. Therefore, it has been classified as a Variant of Uncertain Significance.

Ambry Genetics
Classification: Uncertain significance for Inborn genetic diseases. Last evaluated: 2022-01-12. Review status: criteria provided, single submitter. Criteria: Ambry Variant Classification Scheme 2023. Collection method: clinical testing. Allele origin: germline.
Comment: The c.1672A>G (p.T558A) alteration is located in exon 8 (coding exon 7) of the KIF14 gene. This alteration results from a A to G substitution at nucleotide position 1672, causing the threonine (T) at amino acid position 558 to be replaced by an alanine (A). The p.T558A alteration is predicted to be tolerated by in silico analysis. Based on insufficient or conflicting evidence, the clinical significance of this alteration remains unclear.

Literature cited by the submitters: PubMed 36307859 (cited by Labcorp Genetics (formerly Invitae), Labcorp).

NM_014875.3(KIF14):c.1672A>G (p.Thr558Ala)

Gene: KIF14 (kinesin family member 14; minus strand). Cytogenetic location: 1q32.1.
Variant type: single nucleotide variant.
Coding change: c.1672A>G on transcript NM_014875.3 (MANE Select); coding-DNA position 1672, A replaced by G.
Protein change: p.Thr558Ala; replaces threonine 558 with alanine.
Molecular consequence: missense variant.
Genome position (GRCh38, 1-based): chr1:200,605,357, T>C on the plus strand (A>G on the coding strand, the complement: KIF14 is on the minus strand). VCF-style: chr1-200605357-T-C. GRCh37 (hg19) VCF-style: chr1-200574485-T-C.
Other names: c.199A>G, p.Thr67Ala (NM_001305792.1); short protein forms T558A, T67A.
Identifiers: ClinVar variation 2289482 (VCV002289482.4), dbSNP rs368478161, ClinGen allele CA1317746.